The following is an entry in ClinVar:

ClinVar aggregate classification (germline): Uncertain significance. Review status: criteria provided, multiple submitters, no conflicts (2 of 4 stars). 2 submissions from 2 submitters: Uncertain significance (2). Last evaluated 2024-01-08.

Conditions:
Maple syrup urine disease (MSUD). Identifiers: Orphanet 511, MedGen C0024776, MeSH D008375, MONDO:0009563. Disease mechanism: loss of function.
Maple syrup urine disease type 1A (MSUD1A). Also called: MSUD type 1A. Identifiers: MedGen C1855369, MONDO:0023691, OMIM 248600.

Allele frequency attached by ClinVar (database versions not stated): gnomAD exomes below 0.00001 and 0.00001.
gnomAD v4.1: 2 of 1,612,434 alleles (0.00012%); highest among the groups gnomAD compares: Admixed American, 0.0033%; no homozygotes.

Submissions (2):

Labcorp Genetics (formerly Invitae), Labcorp
Classification: Uncertain significance for Maple syrup urine disease. Last evaluated: 2024-01-08. Review status: criteria provided, single submitter. Criteria: Invitae Variant Classification Sherloc (09022015). Collection method: clinical testing. Allele origin: germline.
Comment: This sequence change replaces glycine, which is neutral and non-polar, with tryptophan, which is neutral and slightly polar, at codon 421 of the DBT protein (p.Gly421Trp). This variant is present in population databases (rs796051945, gnomAD 0.006%). This missense change has been observed in individual(s) with clinical and/or biochemical features of maple syrup urine disease (PMID: 32778825; Invitae). ClinVar contains an entry for this variant (Variation ID: 203669). Advanced modeling of protein sequence and biophysical properties (such as structural, functional, and spatial information, amino acid conservation, physicochemical variation, residue mobility, and thermodynamic stability) performed at Invitae indicates that this missense variant is expected to disrupt DBT protein function with a positive predictive value of 95%. In summary, the available evidence is currently insufficient to determine the role of this variant in disease. Therefore, it has been classified as a Variant of Uncertain Significance.

3billion
Classification: Uncertain significance for Maple syrup urine disease type 1A. Last evaluated: 2023-09-04. Review status: criteria provided, single submitter. Criteria: ACMG Guidelines, 2015. Collection method: clinical testing. Allele origin: germline. Affected: yes.
Comment: The variant is observed at an extremely low frequency in the gnomAD v2.1.1 dataset (total allele frequency: 0.001%). Predicted Consequence/Location: Missense variant In silico tool predictions suggest damaging effect of the variant on gene or gene product [3Cnet: 0.98 (>=0.6, sensitivity 0.72 and precision 0.9)]. Same nucleotide change resulting in same amino acid change has been previously reported to be associated with DBT related disorder (PMID: 32778825). However, the evidence of pathogenicity is insufficient at this time. Therefore, this variant is classified as VUS according to the recommendation of ACMG/AMP guideline.

Literature cited by the submitters: PubMed 32778825 (cited by Labcorp Genetics (formerly Invitae), Labcorp and 3billion).

NM_001918.5(DBT):c.1261G>T (p.Gly421Trp)

Gene: DBT (dihydrolipoamide branched chain transacylase E2; minus strand). Cytogenetic location: 1p21.2.
Variant type: single nucleotide variant.
Coding change: c.1261G>T on transcript NM_001918.5 (MANE Select); coding-DNA position 1261, G replaced by T.
Protein change: p.Gly421Trp; replaces glycine 421 with tryptophan.
Molecular consequence: missense variant.
Genome position (GRCh38, 1-based): chr1:100,206,250, C>A on the plus strand (G>T on the coding strand, the complement: DBT is on the minus strand). VCF-style: chr1-100206250-C-A. GRCh37 (hg19) VCF-style: chr1-100671806-C-A.
Other names: short protein forms G421W.
Identifiers: ClinVar variation 203669 (VCV000203669.8), dbSNP rs796051945, ClinGen allele CA312442.
Genomic context (GRCh38, chr1:100,206,250, plus strand): 5'-TTTGCTTAAACTCCATTTTTCAGTTATCTAATACATGTACCTTAATTGATCCAAGGGCCC[C>A]AATGGCTACTTCAGGTGGCATTATCACTGGTTTGGCAAAGGTACCACCAATCTATTTTTT-3'
Protein context (NP_001909.4, residues 411-431): PVIMPPEVAI[Gly421Trp]ALGSIKAIPR